The following is an entry in ClinVar:

ClinVar aggregate classification (germline): Uncertain significance. Review status: criteria provided, multiple submitters, no conflicts (2 of 4 stars). 2 submissions from 2 submitters: Uncertain significance (2). Last evaluated 2025-05-03.

Conditions:
Cardiomyopathy (CMYO). Also called: Cardiomyopathies. Identifiers: Orphanet 167848, MedGen C0878544, MONDO:0004994, HP:0001638. Inheritance: Various modes of inheritance.
Cardiovascular phenotype. Identifiers: MedGen CN230736.

gnomAD v4.1: 3 of 1,552,704 alleles (0.00019%); highest among the groups gnomAD compares: East Asian, 0.0071%; no homozygotes.

Submissions (2):

Ambry Genetics
Classification: Uncertain significance for Cardiovascular phenotype. Last evaluated: 2025-05-03. Review status: criteria provided, single submitter. Criteria: Ambry Variant Classification Scheme 2023. Collection method: clinical testing. Allele origin: germline.
Comment: The p.P121Q variant (also known as c.362C>A), located in coding exon 3 of the MYBPC3 gene, results from a C to A substitution at nucleotide position 362. The proline at codon 121 is replaced by glutamine, an amino acid with similar properties. This amino acid position is conserved. In addition, this alteration is predicted to be tolerated by in silico analysis. Based on the available evidence, the clinical significance of this variant remains unclear.

Color Diagnostics, LLC DBA Color Health
Classification: Uncertain significance for Cardiomyopathy. Last evaluated: 2024-03-06. Review status: criteria provided, single submitter. Criteria: ACMG Guidelines, 2015. Collection method: clinical testing. Allele origin: germline.
Comment: This missense variant replaces proline with glutamine at codon 121 of the MYBPC3 protein. Computational prediction suggests that this variant may not impact protein structure and function (internally defined REVEL score threshold <= 0.5, PMID: 27666373). Splice site prediction tools suggest that this variant may not impact RNA splicing. To our knowledge, functional studies have not been performed for this variant. This variant has not been reported in individuals affected with cardiovascular disorders in the literature. This variant has been identified in 2/194964 chromosomes in the general population by the Genome Aggregation Database (gnomAD). The available evidence is insufficient to determine the role of this variant in disease conclusively. Therefore, this variant is classified as a Variant of Uncertain Significance.

NM_000256.3(MYBPC3):c.362C>A (p.Pro121Gln)

Gene: MYBPC3 (myosin binding protein C3; minus strand). Cytogenetic location: 11p11.2.
Variant type: single nucleotide variant.
Coding change: c.362C>A on transcript NM_000256.3 (MANE Select); coding-DNA position 362, C replaced by A.
Protein change: p.Pro121Gln; replaces proline 121 with glutamine.
Molecular consequence: missense variant.
Genome position (GRCh38, 1-based): chr11:47,350,546, G>T on the plus strand (C>A on the coding strand, the complement: MYBPC3 is on the minus strand). VCF-style: chr11-47350546-G-T. GRCh37 (hg19) VCF-style: chr11-47372097-G-T.
Other names: short protein forms P121Q.
Identifiers: ClinVar variation 926636 (VCV000926636.5), dbSNP rs551888783, ClinGen allele CA380340611.